The following is an entry in ClinVar:

NM_001967.4(EIF4A2):c.772-3C>T

Gene: EIF4A2 (eukaryotic translation initiation factor 4A2; plus strand). Cytogenetic location: 3q27.3.
Variant type: single nucleotide variant.
Coding change: c.772-3C>T on transcript NM_001967.4 (MANE Select); 3 bases into the intron before coding-DNA position 772, C replaced by T.
Molecular consequence: intron variant.
Genome position (GRCh38, 1-based): chr3:186,787,124, C>T. VCF-style: chr3-186787124-C-T. GRCh37 (hg19) VCF-style: chr3-186504913-C-T.
Other names: NC_000003.11:g.186504913C>T.
Identifiers: ClinVar variation 3042089 (VCV003042089.3), dbSNP rs75837460, ClinGen allele CA2747084.
Genomic context (GRCh38, chr3:186,787,124, plus strand): 5'-AATTTTTAACTGAAGAGTTGGAAAAACTAAATGACTGTTAACTTTAACTTCTAAACATTA[C>T]AGGAATGGAAGTTGGATACACTTTGTGACTTGTACGAGACACTGACCATTACACAGGCTG-3'

ClinVar aggregate classification (germline): Benign (0 of 4 stars; one submission).

Conditions:
EIF4A2-related disorder. Also called: EIF4A2-related condition.

Allele frequency attached by ClinVar (database versions not stated): ESP Exome Variant Server 0.00869; gnomAD exomes 0.00999; gnomAD 0.01047; TOPMed 0.01058; ExAC 0.01580; 1000 Genomes Project 30x 0.02795; 1000 Genomes Project 0.02995.
gnomAD v4.1: 16,353 of 1,613,250 alleles (1%); highest among the groups gnomAD compares: East Asian, 8.1%; 305 homozygotes.

Submissions 1 to 32 of 43:

PreventionGenetics, part of Exact Sciences
Classification: Benign for EIF4A2-related condition. Last evaluated: 2019-11-27. Review status: no assertion criteria provided. Collection method: clinical testing. Allele origin: germline.
Comment: This variant is classified as benign based on ACMG/AMP sequence variant interpretation guidelines (Richards et al. 2015 PMID: 25741868, with internal and published modifications).

Dr. Peter K. Rogan Lab, Western University
No classification provided (evidence only). Condition: Clear cell carcinoma of kidney. Review status: no classification provided. Collection method: in vitro. Allele origin: not applicable. Functional consequence: skipped exon, retained intron. Not counted in ClinVar's aggregate classification.

Dr. Peter K. Rogan Lab, Western University
No classification provided (evidence only). Condition: Clear cell carcinoma of kidney. Review status: no classification provided. Collection method: in vitro. Allele origin: not applicable. Functional consequence: retained intron. Not counted in ClinVar's aggregate classification.

Dr. Peter K. Rogan Lab, Western University
No classification provided (evidence only). Condition: Lung cancer. Review status: no classification provided. Collection method: in vitro. Allele origin: not applicable. Functional consequence: retained intron. Not counted in ClinVar's aggregate classification.

Dr. Peter K. Rogan Lab, Western University
No classification provided (evidence only). Condition: Lung cancer. Review status: no classification provided. Collection method: in vitro. Allele origin: not applicable. Functional consequence: retained intron. Not counted in ClinVar's aggregate classification.

Dr. Peter K. Rogan Lab, Western University
No classification provided (evidence only). Condition: Melanoma. Review status: no classification provided. Collection method: in vitro. Allele origin: not applicable. Functional consequence: retained intron. Not counted in ClinVar's aggregate classification.

Dr. Peter K. Rogan Lab, Western University
No classification provided (evidence only). Condition: Melanoma. Review status: no classification provided. Collection method: in vitro. Allele origin: not applicable. Functional consequence: retained intron. Not counted in ClinVar's aggregate classification.

Dr. Peter K. Rogan Lab, Western University
No classification provided (evidence only). Condition: Melanoma. Review status: no classification provided. Collection method: in vitro. Allele origin: not applicable. Functional consequence: retained intron. Not counted in ClinVar's aggregate classification.

Dr. Peter K. Rogan Lab, Western University
No classification provided (evidence only). Condition: Acute myeloid leukemia. Review status: no classification provided. Collection method: in vitro. Allele origin: not applicable. Functional consequence: retained intron. Not counted in ClinVar's aggregate classification.

Dr. Peter K. Rogan Lab, Western University
No classification provided (evidence only). Condition: Colon adenocarcinoma. Review status: no classification provided. Collection method: in vitro. Allele origin: not applicable. Functional consequence: retained intron. Not counted in ClinVar's aggregate classification.

Dr. Peter K. Rogan Lab, Western University
No classification provided (evidence only). Condition: Colon adenocarcinoma. Review status: no classification provided. Collection method: in vitro. Allele origin: not applicable. Functional consequence: retained intron. Not counted in ClinVar's aggregate classification.

Dr. Peter K. Rogan Lab, Western University
No classification provided (evidence only). Condition: Colon adenocarcinoma. Review status: no classification provided. Collection method: in vitro. Allele origin: not applicable. Functional consequence: retained intron. Not counted in ClinVar's aggregate classification.

Dr. Peter K. Rogan Lab, Western University
No classification provided (evidence only). Condition: Colon adenocarcinoma. Review status: no classification provided. Collection method: in vitro. Allele origin: not applicable. Functional consequence: retained intron. Not counted in ClinVar's aggregate classification.

Dr. Peter K. Rogan Lab, Western University
No classification provided (evidence only). Condition: Colorectal cancer. Review status: no classification provided. Collection method: in vitro. Allele origin: not applicable. Functional consequence: retained intron. Not counted in ClinVar's aggregate classification.

Dr. Peter K. Rogan Lab, Western University
No classification provided (evidence only). Condition: Colorectal cancer. Review status: no classification provided. Collection method: in vitro. Allele origin: not applicable. Functional consequence: retained intron. Not counted in ClinVar's aggregate classification.

Dr. Peter K. Rogan Lab, Western University
No classification provided (evidence only). Condition: Cervical cancer. Review status: no classification provided. Collection method: in vitro. Allele origin: not applicable. Functional consequence: skipped exon, retained intron. Not counted in ClinVar's aggregate classification.

Dr. Peter K. Rogan Lab, Western University
No classification provided (evidence only). Condition: Cervical cancer. Review status: no classification provided. Collection method: in vitro. Allele origin: not applicable. Functional consequence: retained intron. Not counted in ClinVar's aggregate classification.

Dr. Peter K. Rogan Lab, Western University
No classification provided (evidence only). Condition: Cervical cancer. Review status: no classification provided. Collection method: in vitro. Allele origin: not applicable. Functional consequence: retained intron. Not counted in ClinVar's aggregate classification.

Dr. Peter K. Rogan Lab, Western University
No classification provided (evidence only). Condition: Cervical cancer. Review status: no classification provided. Collection method: in vitro. Allele origin: not applicable. Functional consequence: retained intron. Not counted in ClinVar's aggregate classification.

Dr. Peter K. Rogan Lab, Western University
No classification provided (evidence only). Condition: Cervical cancer. Review status: no classification provided. Collection method: in vitro. Allele origin: not applicable. Functional consequence: retained intron. Not counted in ClinVar's aggregate classification.

Dr. Peter K. Rogan Lab, Western University
No classification provided (evidence only). Condition: Cervical cancer. Review status: no classification provided. Collection method: in vitro. Allele origin: not applicable. Functional consequence: retained intron. Not counted in ClinVar's aggregate classification.

Dr. Peter K. Rogan Lab, Western University
No classification provided (evidence only). Condition: Sarcoma. Review status: no classification provided. Collection method: in vitro. Allele origin: not applicable. Functional consequence: retained intron. Not counted in ClinVar's aggregate classification.

Dr. Peter K. Rogan Lab, Western University
No classification provided (evidence only). Condition: Sarcoma. Review status: no classification provided. Collection method: in vitro. Allele origin: not applicable. Functional consequence: retained intron. Not counted in ClinVar's aggregate classification.

Dr. Peter K. Rogan Lab, Western University
No classification provided (evidence only). Condition: Malignant lymphoma, large B-cell, diffuse. Review status: no classification provided. Collection method: in vitro. Allele origin: not applicable. Functional consequence: retained intron. Not counted in ClinVar's aggregate classification.

Dr. Peter K. Rogan Lab, Western University
No classification provided (evidence only). Condition: Ovarian serous cystadenocarcinoma. Review status: no classification provided. Collection method: in vitro. Allele origin: not applicable. Functional consequence: retained intron. Not counted in ClinVar's aggregate classification.

Dr. Peter K. Rogan Lab, Western University
No classification provided (evidence only). Condition: Ovarian serous cystadenocarcinoma. Review status: no classification provided. Collection method: in vitro. Allele origin: not applicable. Functional consequence: retained intron. Not counted in ClinVar's aggregate classification.

Dr. Peter K. Rogan Lab, Western University
No classification provided (evidence only). Condition: Ovarian serous cystadenocarcinoma. Review status: no classification provided. Collection method: in vitro. Allele origin: not applicable. Functional consequence: retained intron. Not counted in ClinVar's aggregate classification.

Dr. Peter K. Rogan Lab, Western University
No classification provided (evidence only). Condition: Ovarian serous cystadenocarcinoma. Review status: no classification provided. Collection method: in vitro. Allele origin: not applicable. Functional consequence: retained intron. Not counted in ClinVar's aggregate classification.

Dr. Peter K. Rogan Lab, Western University
No classification provided (evidence only). Condition: Ovarian serous cystadenocarcinoma. Review status: no classification provided. Collection method: in vitro. Allele origin: not applicable. Functional consequence: retained intron. Not counted in ClinVar's aggregate classification.

Dr. Peter K. Rogan Lab, Western University
No classification provided (evidence only). Condition: Malignant tumor of esophagus. Review status: no classification provided. Collection method: in vitro. Allele origin: not applicable. Functional consequence: retained intron. Not counted in ClinVar's aggregate classification.

Dr. Peter K. Rogan Lab, Western University
No classification provided (evidence only). Condition: Malignant tumor of esophagus. Review status: no classification provided. Collection method: in vitro. Allele origin: not applicable. Functional consequence: retained intron. Not counted in ClinVar's aggregate classification.

Dr. Peter K. Rogan Lab, Western University
No classification provided (evidence only). Condition: Malignant tumor of esophagus. Review status: no classification provided. Collection method: in vitro. Allele origin: not applicable. Functional consequence: retained intron. Not counted in ClinVar's aggregate classification.